The following is an entry in ClinVar:

ClinVar aggregate classification (germline): Likely pathogenic (1 of 4 stars; one submission).

Conditions:
Osteogenesis imperfecta type I (OI1). Also called: Lobstein disease; OI, TYPE I; OSTEOGENESIS IMPERFECTA TARDA; OSTEOGENESIS IMPERFECTA WITH BLUE SCLERAE; Osteogenesis imperfecta type 1; Lobstein's Disease. Identifiers: Orphanet 216796, Orphanet 666, MedGen C0023931, MONDO:0008146, OMIM 166200. Disease mechanism: loss of function.
Ehlers-Danlos syndrome, classic type, 1 (EDSCL1). Also called: EDS I; EHLERS-DANLOS SYNDROME, GRAVIS TYPE; EHLERS-DANLOS SYNDROME, SEVERE CLASSIC TYPE; Ehlers-Danlos syndrome, type 1; Ehlers-Danlos Syndrome, Classic Type, COL5A1-Related. Identifiers: MedGen C0268335, MONDO:0019567, OMIM 130000.

Submission:

Labcorp Genetics (formerly Invitae), Labcorp
Classification: Likely pathogenic for Osteogenesis imperfecta type I; Ehlers-Danlos syndrome, classic type, 1. Last evaluated: 2022-12-19. Review status: criteria provided, single submitter. Criteria: Invitae Variant Classification Sherloc (09022015). Collection method: clinical testing. Allele origin: germline.
Comment: This variant has not been reported in the literature in individuals affected with COL1A2-related conditions. In summary, the currently available evidence indicates that the variant is pathogenic, but additional data are needed to prove that conclusively. Therefore, this variant has been classified as Likely Pathogenic. This variant disrupts the triple helix domain of COL1A2. Glycine residues within the Gly-Xaa-Yaa repeats of the triple helix domain are required for the structure and stability of fibrillar collagens (PMID: 7695699, 8218237, 19344236). In COL1A2, variants affecting these glycine residues are significantly enriched in individuals with disease (PMID: 9016532, 17078022) compared to the general population (ExAC). Algorithms developed to predict the effect of sequence changes on RNA splicing suggest that this variant may create or strengthen a splice site. Algorithms developed to predict the effect of missense changes on protein structure and function are either unavailable or do not agree on the potential impact of this missense change (SIFT: "Deleterious"; PolyPhen-2: "Not Available"; Align-GVGD: "Class C0"). This variant is not present in population databases (gnomAD no frequency). This sequence change replaces glycine, which is neutral and non-polar, with alanine, which is neutral and non-polar, at codon 946 of the COL1A2 protein (p.Gly946Ala).

Literature cited by the submitters: PubMed 7695699; PubMed 8218237; PubMed 19344236; PubMed 9016532; PubMed 17078022.

NM_000089.4(COL1A2):c.2837G>C (p.Gly946Ala)

Gene: COL1A2 (collagen type I alpha 2 chain; plus strand). Cytogenetic location: 7q21.3.
Variant type: single nucleotide variant.
Coding change: c.2837G>C on transcript NM_000089.4 (MANE Select); coding-DNA position 2837, G replaced by C.
Protein change: p.Gly946Ala; replaces glycine 946 with alanine.
Molecular consequence: missense variant.
Genome position (GRCh38, 1-based): chr7:94,425,751, G>C. VCF-style: chr7-94425751-G-C. GRCh37 (hg19) VCF-style: chr7-94055063-G-C.
Other names: short protein forms G946A.
Identifiers: ClinVar variation 2942407 (VCV002942407.3), dbSNP rs1792259695, ClinGen allele CA368224731.